The following is an entry in ClinVar:

NM_025114.4(CEP290):c.1309_1310dup (p.Asp438fs)

Gene: CEP290 (centrosomal protein 290; minus strand). Cytogenetic location: 12q21.32.
Variant type: Duplication.
Coding change: c.1309_1310dup on transcript NM_025114.4 (MANE Select); coding-DNA positions 1309 to 1310, 2 bases duplicated (AA; older notation c.1309_1310dupAA).
Protein change: p.Asp438fs; shifts the reading frame from aspartic acid 438.
Molecular consequence: frameshift variant.
Genome position (GRCh38, 1-based): chr12:88,121,046-88,121,047, TT duplicated on the plus strand (AA on the coding strand, the reverse complement: CEP290 is on the minus strand); duplicating any 2 consecutive bases within chr12:88,121,046-88,121,049 gives the same sequence; the c. name uses the placement nearest the transcript's 3' end. VCF-style (leftmost placement, unchanged base first): chr12-88121045-C-CTT. GRCh37 (hg19) VCF-style: chr12-88514822-C-CTT.
Other names: short protein forms D438fs.
Identifiers: ClinVar variation 5002091 (VCV005002091.2).

ClinVar aggregate classification (germline): Pathogenic/Likely pathogenic. Review status: criteria provided, multiple submitters, no conflicts (2 of 4 stars). 2 submissions from 2 submitters: Pathogenic (1); Likely pathogenic (1). Last evaluated 2026-06-08.

Conditions:
CEP290-related ciliopathy. Also called: CEP290 ciliopathy. Identifiers: MedGen CN305601, MONDO:0100451.
CEP290-related disorder. Also called: CEP290-related condition; CEP290-related disorders. Identifiers: MedGen CN239314.

Submissions (2):

PreventionGenetics, part of Exact Sciences
Classification: Likely pathogenic for CEP290-related condition. Last evaluated: 2026-06-08. Review status: criteria provided, single submitter. Criteria: ACMG Guidelines, 2015. Collection method: clinical testing. Allele origin: germline.
Comment: The CEP290 c.1309_1310dupAA variant is predicted to result in a frameshift and premature protein termination (p.Asp438Argfs*5). To our knowledge, this variant has not been reported in the literature or in a large population database (gnomAD), indicating this variant is rare. Frameshift variants in CEP290 are expected to be pathogenic. This variant is interpreted as likely pathogenic.

Myriad Genetics, Inc.
Classification: Pathogenic for CEP290-related ciliopathy. Last evaluated: 2025-11-03. Review status: criteria provided, single submitter. Criteria: Myriad Autosomal Dominant, Autosomal Recessive and X-Linked Classification Criteria (2023). Collection method: clinical testing. Allele origin: unknown.
Comment: NM_025114.3(CEP290):c.1309_1310dupAA(D438Rfs*5) is expected to be pathogenic in the context of CEP290-related disorders. This variant is predicted to lead to an abnormal or absent protein product due to the creation of a premature termination codon in CEP290, a gene where loss-of-function variants are known to be pathogenic. Please note: this variant was assessed in the context of healthy population screening.